The following is an entry in ClinVar:

ClinVar aggregate classification (germline): Uncertain significance (1 of 4 stars; one submission).

Allele frequency attached by ClinVar (database versions not stated): TOPMed below 0.00001.
gnomAD v4.1: 1 of 1,613,694 alleles (0.000062%); highest among the groups gnomAD compares: Non-Finnish European, 0.000085%; no homozygotes.

Submission:

GeneDx
Classification: Uncertain significance. Last evaluated: 2022-12-01. Review status: criteria provided, single submitter. Criteria: GeneDx Variant Classification Process June 2021. Collection method: clinical testing. Allele origin: germline. Affected: yes.
Comment: Not observed at significant frequency in large population cohorts (gnomAD); In silico analysis supports that this missense variant has a deleterious effect on protein structure/function; Has not been previously published as pathogenic or benign to our knowledge

NM_014727.3(KMT2B):c.3920G>A (p.Gly1307Glu)

Gene: KMT2B (lysine methyltransferase 2B; plus strand). Cytogenetic location: 19q13.12.
Variant type: single nucleotide variant.
Coding change: c.3920G>A on transcript NM_014727.3 (MANE Select); coding-DNA position 3920, G replaced by A.
Protein change: p.Gly1307Glu; replaces glycine 1307 with glutamic acid.
Molecular consequence: missense variant.
Genome position (GRCh38, 1-based): chr19:35,726,270, G>A. VCF-style: chr19-35726270-G-A. GRCh37 (hg19) VCF-style: chr19-36217171-G-A.
Other names: short protein forms G1307E.
Identifiers: ClinVar variation 2504543 (VCV002504543.1), dbSNP rs148465274, ClinGen allele CA405411537.